The following is an entry in ClinVar:

GRCh38/hg38 14q11.2(chr14:23390903-23414236)x1

Genes: MYH6 (myosin heavy chain 6; minus strand), MYH7 (myosin heavy chain 7; minus strand), LOC114827851 (VISTA enhancer hs2155; plus strand). Cytogenetic location: 14q11.2.
Variant type: copy number loss.
Change: copy number 1 (one copy instead of two) of chr14:23,390,903-23,414,236 (23.3 kb, GRCh38 coordinates, 1-based), cytogenetic band 14q11.2.
Identifiers: ClinVar variation 149241 (VCV000149241.2).

ClinVar aggregate classification (germline): conflicting data from submitters (0 of 4 stars; one submission).

Submission:

ISCA site 1
Classification: conflicting data from submitters. Last evaluated: 2013-01-25. Review status: no assertion criteria provided. Collection method: clinical testing. Allele origin: maternal. Affected: yes. Observed: 2 variant alleles.
Comment: Uncertain significance(1), Likely benign (1)

Copy number variation identified through the course of routine clinical cytogenomic testing in postnatal populations, with clinical assertions as classified by the original submitter. For data from the original published study, Kaminsky, et al. 2011 (PubMed 21844811), please see nstd101.